The following is an entry in ClinVar:

NM_001126108.2(SLC12A3):c.2359C>T (p.Gln787Ter)

Gene: SLC12A3 (solute carrier family 12 member 3; plus strand). Cytogenetic location: 16q13.
Variant type: single nucleotide variant.
Coding change: c.2359C>T on transcript NM_001126108.2 (MANE Select); coding-DNA position 2359, C replaced by T.
Protein change: p.Gln787Ter; replaces glutamine 787 with a stop codon.
Molecular consequence: nonsense.
Genome position (GRCh38, 1-based): chr16:56,890,347, C>T. VCF-style: chr16-56890347-C-T. GRCh37 (hg19) VCF-style: chr16-56924259-C-T.
Other names: c.2359C>T, p.Gln787Ter (NM_000339.3); c.2356C>T, p.Gln786Ter (NM_001126107.2, NM_001410896.1); short protein forms Q786*, Q787*.
Identifiers: ClinVar variation 4818204 (VCV004818204.1).

ClinVar aggregate classification (germline): Pathogenic (1 of 4 stars; one submission).

Conditions:
Familial hypokalemia-hypomagnesemia (GTLMNS). Also called: POTASSIUM AND MAGNESIUM DEPLETION; HYPOMAGNESEMIA-HYPOKALEMIA, PRIMARY RENOTUBULAR, WITH HYPOCALCIURIA; gitelman syndrome. Identifiers: Orphanet 358, MedGen C0268450, MONDO:0009904, OMIM 263800.

gnomAD v4.1: 1 of 1,613,806 alleles (0.000062%); highest among the groups gnomAD compares: Non-Finnish European, 0.000085%; no homozygotes.

Submission:

Natera, Inc.
Classification: Pathogenic for Gitelman syndrome. Last evaluated: 2024-08-05. Review status: criteria provided, single submitter. Criteria: Natera Variant Classification Schema (03/2026). Collection method: clinical testing. Allele origin: germline.
Comment: The c.2359C>T variant in SLC12A3 is a nonsense variant predicted to introduce a stop codon at amino acid 787. This variant is expected to result in nonsense mediated decay, truncation, or a dysfunctional protein product. This variant is rare in the general population with a frequency below the threshold expected for the associated phenotype(s). This variant has been observed in one or more individuals affected with the associated recessive disease, as either homozygous or compound heterozygous with a second variant (PMID: 26770037). Given the available evidence, this variant is classified as Pathogenic.

Literature cited by the submitters: PubMed 26770037.